The following is an entry in ClinVar:

ClinVar aggregate classification (germline): Benign. Review status: criteria provided, multiple submitters, no conflicts (2 of 4 stars). 3 submissions from 3 submitters: Benign (3). Last evaluated 2024-01-24.

Allele frequency attached by ClinVar (database versions not stated): TOPMed 0.17275; gnomAD 0.17837 and 0.18322; 1000 Genomes Project 30x 0.18114; 1000 Genomes Project 0.18750; gnomAD exomes 0.22013; ExAC 0.41469.
gnomAD v4.1: 259,896 of 1,156,138 alleles (22%); highest among the groups gnomAD compares: East Asian, 29%; 31,272 homozygotes.

Submissions (3):

Unidad de Genómica Garrahan, Hospital de Pediatría Garrahan
Classification: Benign. Last evaluated: 2024-01-24. Review status: criteria provided, single submitter. Criteria: ACMG Guidelines, 2015. Collection method: clinical testing. Allele origin: germline. Affected: no. Observed: 20 variant alleles.
Comment: This variant is classified as Benign based on local population frequency. This variant was detected in 21% of patients studied by a panel of primary immunodeficiencies. Number of patients: 20. Only high quality variants are reported.

GeneDx
Classification: Benign. Last evaluated: 2018-08-08. Review status: criteria provided, single submitter. Criteria: GeneDx Variant Classification Process June 2021. Collection method: clinical testing. Allele origin: germline. Affected: yes.

Breakthrough Genomics
Classification: Benign. Review status: criteria provided, single submitter. Criteria: ACMG Guidelines, 2015. Collection method: not provided. Allele origin: germline. Inheritance: Autosomal recessive inheritance. Affected: yes.

NM_001250.6(CD40):c.676-114G>A

Gene: CD40 (CD40 molecule; plus strand). Cytogenetic location: 20q13.12.
Variant type: single nucleotide variant.
Coding change: c.676-114G>A on transcript NM_001250.6 (MANE Select); 114 bases into the intron before coding-DNA position 676, G replaced by A.
Molecular consequence: intron variant.
Genome position (GRCh38, 1-based): chr20:46,128,768, G>A. VCF-style: chr20-46128768-G-A. GRCh37 (hg19) VCF-style: chr20-44757407-G-A.
Other names: c.*2-114G>A (NM_001302753.2, NM_001362758.2, NM_152854.4); c.688-114G>A (NM_001322421.2); c.520-114G>A (NM_001322422.2).
Identifiers: ClinVar variation 1261840 (VCV001261840.5), dbSNP rs3765459, ClinGen allele CA9888619.